The following is an entry in ClinVar:

ClinVar aggregate classification (germline): Uncertain significance (1 of 4 stars; one submission).

Conditions:
Split hand-foot malformation 6. Also called: ECTRODACTYLY, AUTOSOMAL RECESSIVE. Identifiers: Orphanet 2440, MedGen C2749665, MONDO:0009157, OMIM 225300.

gnomAD v4.1: 1 of 1,613,964 alleles (0.000062%); highest among the groups gnomAD compares: Non-Finnish European, 0.000085%; no homozygotes.

Submission:

3billion
Classification: Uncertain significance for Split hand-foot malformation 6. Last evaluated: 2024-09-03. Review status: criteria provided, single submitter. Criteria: ACMG Guidelines, 2015. Collection method: clinical testing. Allele origin: germline. Affected: yes.
Comment: The variant is observed at an extremely low frequency in the gnomAD v4.0.0 dataset (total allele frequency: <0.001%). Predicted Consequence/Location: Missense variant In silico tool predictions suggest damaging effect of the variant on gene or gene product [REVEL: 0.95 (>=0.6, sensitivity 0.68 and specificity 0.92)]. A different missense change at the same codon (p.Cys249Phe) has been reported to be associated with WNT10B related disorder (ClinVar ID: VCV000634646 /PMID: 31050392). However the evidence of pathogenicity is insufficient at this time. Therefore, this variant is classified as VUS according to the recommendation of ACMG/AMP guideline.

Literature cited by the submitters: PubMed 31050392.

NM_003394.4(WNT10B):c.746G>A (p.Cys249Tyr)

Gene: WNT10B (Wnt family member 10B; minus strand). Cytogenetic location: 12q13.12.
Variant type: single nucleotide variant.
Coding change: c.746G>A on transcript NM_003394.4 (MANE Select); coding-DNA position 746, G replaced by A.
Protein change: p.Cys249Tyr; replaces cysteine 249 with tyrosine.
Molecular consequence: missense variant.
Genome position (GRCh38, 1-based): chr12:48,966,519, C>T on the plus strand (G>A on the coding strand, the complement: WNT10B is on the minus strand). VCF-style: chr12-48966519-C-T. GRCh37 (hg19) VCF-style: chr12-49360302-C-T.
Other names: short protein forms C249Y.
Identifiers: ClinVar variation 4293161 (VCV004293161.1).